The following is an entry in ClinVar:

ClinVar aggregate classification (germline): Pathogenic. Review status: criteria provided, single submitter (1 of 4 stars). 2 submissions from 2 submitters: Pathogenic (1). 1 of the submissions does not count toward it. Last evaluated 2024-03-06.

Conditions:
Marfan syndrome (MFS). Also called: MARFAN SYNDROME, TYPE I; FBN1-Related Marfan Syndrome; Marfan syndrome type 1; Marfan's syndrome; Marfan syndrome, classic. Identifiers: Orphanet 284963, Orphanet 558, MedGen C0024796, MONDO:0007947, OMIM 154700.

Submissions (2):

GeneDx
Classification: Pathogenic. Last evaluated: 2024-03-06. Review status: criteria provided, single submitter. Criteria: GeneDx Variant Classification Process June 2021. Collection method: clinical testing. Allele origin: germline. Affected: yes.
Comment: Has been reported in an individual with Marfan syndrome (PMID: 31730815); Not observed at significant frequency in large population cohorts (gnomAD); Canonical splice site variant predicted to result in an in-frame loss of the adjacent exon in a gene for which loss of function is a known mechanism of disease; Deletions involving coding exons of this gene are a known mechanism of disease (HGMD); This variant is associated with the following publications: (PMID: 31730815)

Sangiuolo Lab - Medical Genetics Laboratory, Tor Vergata University
Classification: Pathogenic for Marfan syndrome. Last evaluated: 2019-06-06. Review status: no assertion criteria provided. Collection method: clinical testing. Allele origin: germline. Affected: yes. Not counted in ClinVar's aggregate classification.

Literature cited by the submitters: PubMed 31730815 (cited by Sangiuolo Lab - Medical Genetics Laboratory, Tor Vergata University).

NM_000138.5(FBN1):c.2419+2T>G

Gene: FBN1 (fibrillin 1; minus strand). Cytogenetic location: 15q21.1.
Variant type: single nucleotide variant.
Coding change: c.2419+2T>G on transcript NM_000138.5 (MANE Select); the canonical splice donor site of the intron after coding-DNA position 2419, T replaced by G.
Molecular consequence: splice donor variant.
Genome position (GRCh38, 1-based): chr15:48,496,098, A>C on the plus strand (T>G on the coding strand, the complement: FBN1 is on the minus strand). VCF-style: chr15-48496098-A-C. GRCh37 (hg19) VCF-style: chr15-48788295-A-C.
Other names: c.2419+2T>G (NM_001406716.1).
Identifiers: ClinVar variation 684585 (VCV000684585.2), dbSNP rs1597569536, ClinGen allele CA392335037.